The following is an entry in ClinVar:

ClinVar aggregate classification (germline): Benign. Review status: criteria provided, multiple submitters, no conflicts (2 of 4 stars). 5 submissions from 5 submitters: Benign (5). Last evaluated 2026-02-04.

Conditions:
Severe combined immunodeficiency disease. Also called: Severe Combined Immune Deficiency; Severe combined immunodeficiency. Identifiers: Orphanet 183660, MedGen C0085110, MeSH D016511, MONDO:0015974, HP:0004430. Inheritance: X-Linked or Autosomal recessive.
T-B+ severe combined immunodeficiency due to JAK3 deficiency. Also called: SCID, autosomal recessive, T-negative/B-positive type; SCID, T CELL-NEGATIVE, B CELL-POSITIVE, NK CELL-NEGATIVE. Identifiers: Orphanet 35078, MedGen C1833275, MONDO:0010938, OMIM 600802.

Allele frequency attached by ClinVar (database versions not stated): gnomAD exomes 0.33588 and 0.37738; ESP Exome Variant Server 0.34792; gnomAD 0.36048 and 0.36330; TOPMed 0.36958; ExAC 0.40965; 1000 Genomes Project 0.43431; 1000 Genomes Project 30x 0.43848.
gnomAD v4.1: 540,548 of 1,594,026 alleles (34%); highest among the groups gnomAD compares: Admixed American, 48%; 93,618 homozygotes.

Submissions (5):

Labcorp Genetics (formerly Invitae), Labcorp
Classification: Benign for T-B+ severe combined immunodeficiency due to JAK3 deficiency. Last evaluated: 2026-02-04. Review status: criteria provided, single submitter. Criteria: Invitae Variant Classification Sherloc (09022015). Collection method: clinical testing. Allele origin: germline.

Unidad de Genómica Garrahan, Hospital de Pediatría Garrahan
Classification: Benign. Last evaluated: 2024-01-24. Review status: criteria provided, single submitter. Criteria: ACMG Guidelines, 2015. Collection method: clinical testing. Allele origin: germline. Affected: no. Observed: 61 variant alleles.
Comment: This variant is classified as Benign based on local population frequency. This variant was detected in 69% of patients studied by a panel of primary immunodeficiencies. Number of patients: 61. Only high quality variants are reported.

GeneDx
Classification: Benign. Last evaluated: 2015-03-03. Review status: criteria provided, single submitter. Criteria: GeneDx Variant Classification Process June 2021. Collection method: clinical testing. Allele origin: germline. Affected: yes.

Women's Health and Genetics/Laboratory Corporation of America, LabCorp
Classification: Benign for SCID. Last evaluated: 2011-08-18. Review status: criteria provided, single submitter. Criteria: LabCorp Variant Classification Summary - May 2015. Collection method: curation, clinical testing. Allele origin: germline. Inheritance: autosomal unknown. Affected: yes.
ClinVar note: Converted during submission from benign to Benign.

Breakthrough Genomics
Classification: Benign. Review status: criteria provided, single submitter. Criteria: ACMG Guidelines, 2015. Collection method: not provided. Allele origin: germline. Inheritance: Autosomal recessive inheritance. Affected: yes.

NM_000215.4(JAK3):c.3096+18A>G

Gene: JAK3 (Janus kinase 3; minus strand). Cytogenetic location: 19p13.11.
Variant type: single nucleotide variant.
Coding change: c.3096+18A>G on transcript NM_000215.4 (MANE Select); 18 bases into the intron after coding-DNA position 3096, A replaced by G.
Molecular consequence: intron variant.
Genome position (GRCh38, 1-based): chr19:17,830,485, T>C on the plus strand (A>G on the coding strand, the complement: JAK3 is on the minus strand). VCF-style: chr19-17830485-T-C. GRCh37 (hg19) VCF-style: chr19-17941294-T-C.
Identifiers: ClinVar variation 36421 (VCV000036421.18), dbSNP rs2302603, ClinGen allele CA214095.
Genomic context (GRCh38, chr19:17,830,485, plus strand): 5'-AGGCGCAGACAGGTTGGAGATTGGCCACGAGGGGCGTGGAGGGAGAAGAAGGCTGGGGGC[T>C]CTGGGAAGCCGACTCACGGCCGAGGGGCTGCAGCTTTTGTCGCAGTAGGTGAAGAGCTCG-3'